The following is an entry in ClinVar:

ClinVar aggregate classification (germline): Conflicting classifications of pathogenicity. Review status: criteria provided, conflicting classifications (1 of 4 stars). 2 submissions from 2 submitters: Uncertain significance (1); Likely benign (1). Last evaluated 2024-08-07.

Conditions:
Adams-Oliver syndrome 5 (AOS5). Identifiers: Orphanet 974, MedGen C4014970, MONDO:0014459, OMIM 616028.
Familial thoracic aortic aneurysm and aortic dissection (TAAD). Also called: Thoracic aortic aneurysms and dissections. Identifiers: Orphanet 91387, MedGen C4707243, MONDO:0019625.

Allele frequency attached by ClinVar (database versions not stated): gnomAD exomes below 0.00001; TOPMed below 0.00001; ExAC 0.00001; gnomAD 0.00001.
gnomAD v4.1: 4 of 1,613,068 alleles (0.00025%); highest among the groups gnomAD compares: African/African-American, 0.0053%; no homozygotes.

Submissions (2):

Labcorp Genetics (formerly Invitae), Labcorp
Classification: Likely benign for Adams-Oliver syndrome 5. Last evaluated: 2024-08-07. Review status: criteria provided, single submitter. Criteria: Invitae Variant Classification Sherloc (09022015). Collection method: clinical testing. Allele origin: germline.

Ambry Genetics
Classification: Uncertain significance for Familial thoracic aortic aneurysm and aortic dissection. Last evaluated: 2023-08-07. Review status: criteria provided, single submitter. Criteria: Ambry Variant Classification Scheme 2023. Collection method: clinical testing. Allele origin: germline.
Comment: The p.L1059P variant (also known as c.3176T>C), located in coding exon 20 of the NOTCH1 gene, results from a T to C substitution at nucleotide position 3176. The leucine at codon 1059 is replaced by proline, an amino acid with similar properties. This amino acid position is conserved. In addition, this alteration is predicted to be deleterious by in silico analysis. Since supporting evidence is limited at this time, the clinical significance of this alteration remains unclear.

NM_017617.5(NOTCH1):c.3176T>C (p.Leu1059Pro)

Gene: NOTCH1 (notch receptor 1; minus strand). Cytogenetic location: 9q34.3.
Variant type: single nucleotide variant.
Coding change: c.3176T>C on transcript NM_017617.5 (MANE Select); coding-DNA position 3176, T replaced by C.
Protein change: p.Leu1059Pro; replaces leucine 1059 with proline.
Molecular consequence: missense variant.
Genome position (GRCh38, 1-based): chr9:136,508,381, A>G on the plus strand (T>C on the coding strand, the complement: NOTCH1 is on the minus strand). VCF-style: chr9-136508381-A-G. GRCh37 (hg19) VCF-style: chr9-139402833-A-G.
Other names: short protein forms L1059P.
Identifiers: ClinVar variation 2586754 (VCV002586754.4), dbSNP rs776624865, ClinGen allele CA5341023.